The following is an entry in ClinVar:

ClinVar aggregate classification (germline): Conflicting classifications of pathogenicity. Review status: criteria provided, conflicting classifications (1 of 4 stars). 8 submissions from 8 submitters: Uncertain significance (1); Benign (2); Likely benign (5). Last evaluated 2026-04-05.

Conditions:
TNNI3K-related disorder. Also called: TNNI3K-related condition.
Atrial conduction disease. Identifiers: Orphanet 436242, MedGen CN221670, MONDO:0014500.

Allele frequency attached by ClinVar (database versions not stated): gnomAD 0.00008 and 0.00022; TOPMed 0.00012; gnomAD exomes 0.00026 and 0.00053; ExAC 0.00057; 1000 Genomes Project 0.00080; 1000 Genomes Project 30x 0.00109.
gnomAD v4.1: 427 of 1,613,564 alleles (0.026%); highest among the groups gnomAD compares: South Asian, 0.36%; 3 homozygotes.

Submissions (8):

PreventionGenetics, part of Exact Sciences
Classification: Likely benign for TNNI3K-related condition. Last evaluated: 2026-04-05. Review status: criteria provided, single submitter. Criteria: ACMG Guidelines, 2015. Collection method: clinical testing. Allele origin: germline.
Comment: This variant is classified as likely benign based on ACMG/AMP sequence variant interpretation guidelines (Richards et al. 2015 PMID: 25741868, with internal and published modifications).

CeGaT Center for Human Genetics Tuebingen
Classification: Likely benign. Last evaluated: 2026-04-01. Review status: criteria provided, single submitter. Criteria: CeGaT Center For Human Genetics Tuebingen Variant Classification Criteria Version 2. Collection method: clinical testing. Allele origin: germline. Affected: yes. Observed: 1 variant allele.
Comment: TNNI3K: BS1

Labcorp Genetics (formerly Invitae), Labcorp
Classification: Benign. Last evaluated: 2025-12-26. Review status: criteria provided, single submitter. Criteria: Invitae Variant Classification Sherloc (09022015). Collection method: clinical testing. Allele origin: germline.

Blueprint Genetics
Classification: Likely benign. Last evaluated: 2024-06-07. Review status: criteria provided, single submitter. Criteria: ACMG Guidelines, 2015. Collection method: clinical testing. Allele origin: germline.

Genome-Nilou Lab
Classification: Likely benign for Cardiac conduction disease with or without dilated cardiomyopathy 1. Last evaluated: 2023-04-11. Review status: criteria provided, single submitter. Criteria: ACMG Guidelines, 2015. Collection method: clinical testing. Allele origin: germline. Affected: no.

Department of Pathology and Laboratory Medicine, Sinai Health System
Classification: Uncertain significance for Cardiac conduction disease with or without dilated cardiomyopathy 1. Last evaluated: 2023-01-11. Review status: criteria provided, single submitter. Criteria: ACMG Guidelines, 2015. Collection method: research. Allele origin: germline.

Fulgent Genetics
Classification: Likely benign for Cardiac conduction disease with or without dilated cardiomyopathy 1. Last evaluated: 2021-07-24. Review status: criteria provided, single submitter. Criteria: ACMG Guidelines, 2015. Collection method: clinical testing. Allele origin: unknown.

Breakthrough Genomics
Classification: Benign. Review status: criteria provided, single submitter. Criteria: ACMG Guidelines, 2015. Collection method: not provided. Allele origin: germline. Inheritance: Autosomal dominant inheritance. Affected: yes.

NM_015978.3(TNNI3K):c.193G>T (p.Glu65Ter)

Genes: FPGT-TNNI3K (FPGT-TNNI3K readthrough; plus strand), TNNI3K (TNNI3 interacting kinase; plus strand). Cytogenetic location: 1p31.1.
Variant type: single nucleotide variant.
Coding change: c.193G>T on transcript NM_015978.3 (MANE Select); coding-DNA position 193, G replaced by T.
Protein change: p.Glu65Ter; replaces glutamic acid 65 with a stop codon.
Molecular consequence: nonsense.
Genome position (GRCh38, 1-based): chr1:74,249,502, G>T. VCF-style: chr1-74249502-G-T. GRCh37 (hg19) VCF-style: chr1-74715186-G-T.
Other names: c.496G>T, p.Glu166Ter (NM_001112808.3, NM_001199327.2); short protein forms E166*, E65*.
Identifiers: ClinVar variation 1599675 (VCV001599675.16), dbSNP rs201061482, ClinGen allele CA908801.
Genomic context (GRCh38, chr1:74,249,502, plus strand): 5'-TAACATGTTTTTTTCAGCTCTGATGAAGCCTTCAGTAAAGTCAATTTAAATTACCGCACT[G>T]AAAATGGGCTGTCTCTACTTCATTTATGTTGCATTTGTGGAGGTGAGTACTTGAAACTTA-3'